The following is an entry in ClinVar:

ClinVar aggregate classification (germline): Uncertain significance (1 of 4 stars; one submission).

Allele frequency attached by ClinVar (database versions not stated): gnomAD exomes below 0.00001; ExAC 0.00001; gnomAD 0.00001.
gnomAD v4.1: 6 of 1,349,134 alleles (0.00044%); highest among the groups gnomAD compares: African/African-American, 0.0045%; no homozygotes.

Submission:

Labcorp Genetics (formerly Invitae), Labcorp
Classification: Uncertain significance. Last evaluated: 2022-06-14. Review status: criteria provided, single submitter. Criteria: Invitae Variant Classification Sherloc (09022015). Collection method: clinical testing. Allele origin: germline.
Comment: This sequence change replaces lysine, which is basic and polar, with asparagine, which is neutral and polar, at codon 194 of the POLE2 protein (p.Lys194Asn). The frequency data for this variant in the population databases is considered unreliable, as metrics indicate poor data quality at this position in the gnomAD database. This variant has not been reported in the literature in individuals affected with POLE2-related conditions. Algorithms developed to predict the effect of missense changes on protein structure and function are either unavailable or do not agree on the potential impact of this missense change (SIFT: "Tolerated"; PolyPhen-2: "Possibly Damaging"; Align-GVGD: "Class C0"). In summary, the available evidence is currently insufficient to determine the role of this variant in disease. Therefore, it has been classified as a Variant of Uncertain Significance.

NM_002692.4(POLE2):c.582A>T (p.Lys194Asn)

Gene: POLE2 (DNA polymerase epsilon 2, accessory subunit; minus strand). Cytogenetic location: 14q21.3.
Variant type: single nucleotide variant.
Coding change: c.582A>T on transcript NM_002692.4 (MANE Select); coding-DNA position 582, A replaced by T.
Protein change: p.Lys194Asn; replaces lysine 194 with asparagine.
Molecular consequence: missense variant.
Genome position (GRCh38, 1-based): chr14:49,665,158, T>A on the plus strand (A>T on the coding strand, the complement: POLE2 is on the minus strand). VCF-style: chr14-49665158-T-A. GRCh37 (hg19) VCF-style: chr14-50131876-T-A.
Other names: c.504A>T, p.Lys168Asn (NM_001197330.2); c.582A>T, p.Lys194Asn (NM_001197331.3, NM_001348384.2); c.351A>T, p.Lys117Asn (NM_001348385.2); short protein forms K168N, K194N, K117N.
Identifiers: ClinVar variation 1917287 (VCV001917287.5), dbSNP rs756610389, ClinGen allele CA7173554.
Genomic context (GRCh38, chr14:49,665,158, plus strand): 5'-GAAGGATATAGCTTTACTAAGGTCTAGTTGGACTGTTCCAGTAGGATCTTCCAGAAAAAA[T>A]TTTCCCTAAAAAAATGAAAATAAATAAATCCACATTTATGTAACAATGAAAACCGTTGAC-3'
Protein context (NP_002683.2, residues 184-204): LGMITQLKEG[Lys194Asn]FFLEDPTGTV